The following is an entry in ClinVar:

NM_000202.8(IDS):c.1035G>T (p.Trp345Cys)

Genes: IDS (iduronate 2-sulfatase; minus strand), LOC106050102 (IDS recombination region; plus strand). Cytogenetic location: Xq28.
Variant type: single nucleotide variant.
Coding change: c.1035G>T on transcript NM_000202.8 (MANE Select); coding-DNA position 1035, G replaced by T.
Protein change: p.Trp345Cys; replaces tryptophan 345 with cysteine.
Molecular consequence: missense variant.
Genome position (GRCh38, 1-based): chrX:149,487,070, C>A on the plus strand (G>T on the coding strand, the complement: IDS is on the minus strand). VCF-style: chrX-149487070-C-A. GRCh37 (hg19) VCF-style: chrX-148568601-C-A.
Other names: c.765G>T, p.Trp255Cys (NM_001166550.4); short protein forms W255C, W345C.
Identifiers: ClinVar variation 2445990 (VCV002445990.3), dbSNP rs2520785058, ClinGen allele CA414518978.

ClinVar aggregate classification (germline): Likely pathogenic. Review status: criteria provided, single submitter (1 of 4 stars). 2 submissions from 2 submitters: Likely pathogenic (1). 1 of the submissions does not count toward it. Last evaluated 2024-06-07.

Conditions:
Mucopolysaccharidosis, MPS-II (MPS2). Also called: Hunter Syndrome; IDURONATE 2-SULFATASE DEFICIENCY; Mucopolysaccharidosis Type II; Mucopolysaccharidosis with skin involvement; IDS deficiency; Sulfoiduronate sulfatase deficiency. Identifiers: Orphanet 580, Orphanet 79388, MedGen C0026705, MONDO:0010674, OMIM 309900.

Submissions (2):

Laboratory of Diagnosis and Therapy of Lysosomal Disorders, University of Padova
Classification: Likely pathogenic for Mucopolysaccharidosis, MPS-II. Last evaluated: 2024-06-07. Review status: criteria provided, single submitter. Criteria: ACMG Guidelines, 2015. Collection method: literature only. Allele origin: germline. Affected: yes. Observed: 1 variant allele.
Comment: Absent from controls (or at low frequency) in gnomAD database (PM2_Moderate), Missense variant in a gene with a low rate of benign missense variation (PP2_Supporting), Multiple lines of computational evidence support a deleterious effect (PP3_Supporting), Patient’s phenotype or family history highly specific for the disease (PP4_Strong)

Classification method: ACMG Guidelines [PMID:25741868] with modifications

Molecular Biology Laboratory, Department of Zoology, Quaid-i-azam University
Classification: Pathogenic for Mucopolysaccharidosis, MPS-II. Review status: no assertion criteria provided. Collection method: research. Allele origin: inherited. Affected: yes. Not counted in ClinVar's aggregate classification.

Literature cited by the submitters: PubMed 7728156 (cited by Laboratory of Diagnosis and Therapy of Lysosomal Disorders, University of Padova).